The following is an entry in ClinVar:

ClinVar aggregate classification (germline): Uncertain significance (1 of 4 stars; one submission).

Submission:

Labcorp Genetics (formerly Invitae), Labcorp
Classification: Uncertain significance. Last evaluated: 2025-09-15. Review status: criteria provided, single submitter. Criteria: Invitae Variant Classification Sherloc (09022015). Collection method: clinical testing. Allele origin: germline.
Comment: This sequence change replaces aspartic acid, which is acidic and polar, with glutamic acid, which is acidic and polar, at codon 78 of the CASQ1 protein (p.Asp78Glu). This variant is present in population databases (rs775988203, gnomAD 0.01%). This variant has not been reported in the literature in individuals affected with CASQ1-related conditions. ClinVar contains an entry for this variant (Variation ID: 2871904). Invitae Evidence Modeling of protein sequence and biophysical properties (such as structural, functional, and spatial information, amino acid conservation, physicochemical variation, residue mobility, and thermodynamic stability) indicates that this missense variant is not expected to disrupt CASQ1 protein function with a negative predictive value of 80%. In summary, the available evidence is currently insufficient to determine the role of this variant in disease. Therefore, it has been classified as a Variant of Uncertain Significance.

NM_001231.5(CASQ1):c.234C>G (p.Asp78Glu)

Gene: CASQ1 (calsequestrin 1; plus strand). Cytogenetic location: 1q23.2.
Variant type: single nucleotide variant.
Coding change: c.234C>G on transcript NM_001231.5 (MANE Select); coding-DNA position 234, C replaced by G.
Protein change: p.Asp78Glu; replaces aspartic acid 78 with glutamic acid.
Molecular consequence: missense variant.
Genome position (GRCh38, 1-based): chr1:160,190,985, C>G. VCF-style: chr1-160190985-C-G. GRCh37 (hg19) VCF-style: chr1-160160775-C-G.
Other names: short protein forms D78E.
Identifiers: ClinVar variation 2871904 (VCV002871904.3), dbSNP rs775988203, ClinGen allele CA1196102.